The following is an entry in ClinVar:

NM_000465.4(BARD1):c.1702G>C (p.Gly568Arg)

Gene: BARD1 (BRCA1 associated RING domain 1; minus strand). Cytogenetic location: 2q35.
Variant type: single nucleotide variant.
Coding change: c.1702G>C on transcript NM_000465.4 (MANE Select); coding-DNA position 1702, G replaced by C.
Protein change: p.Gly568Arg; replaces glycine 568 with arginine.
Molecular consequence: missense variant. On other transcripts: non-coding transcript variant (3), intron variant (1).
Genome position (GRCh38, 1-based): chr2:214,745,830, C>G on the plus strand (G>C on the coding strand, the complement: BARD1 is on the minus strand). VCF-style: chr2-214745830-C-G. GRCh37 (hg19) VCF-style: chr2-215610554-C-G.
Other names: c.1645G>C, p.Gly549Arg (NM_001282543.2); c.349G>C, p.Gly117Arg (NM_001282545.2); c.292G>C, p.Gly98Arg (NM_001282548.2); c.365-15322G>C (NM_001282549.2); short protein forms G568R, G117R, G98R, G549R.
Identifiers: ClinVar variation 237824 (VCV000237824.11), dbSNP rs878854002, ClinGen allele CA10581923.
Genomic context (GRCh38, chr2:214,745,830, plus strand): 5'-GCTCACTGAGCATTTTCTGTTGTTCTGAAGACAGCCCACTGCCTATAAGTACAAGAGGTC[C>G]ATCCCTACGCTGCCCAGTGTTCATCTGTTAATATAAAAGGAGATACCAGTGTTAAAAACA-3'
Protein context (NP_000456.2, residues 558-578): SVMNTGQRRD[Gly568Arg]PLVLIGSGLS

ClinVar aggregate classification (germline): Uncertain significance (1 of 4 stars; one submission).

Conditions:
Familial cancer of breast. Also called: BREAST CANCER, FAMILIAL; hereditary breast carcinoma; Hereditary breast cancer. Identifiers: Orphanet 227535, MedGen C0346153, MONDO:0016419, OMIM 114480. Disease mechanism: loss of function.

Submission:

Labcorp Genetics (formerly Invitae), Labcorp
Classification: Uncertain significance for Familial cancer of breast. Last evaluated: 2019-02-20. Review status: criteria provided, single submitter. Criteria: Invitae Variant Classification Sherloc (09022015). Collection method: clinical testing. Allele origin: germline.
Comment: In summary, the available evidence is currently insufficient to determine the role of this variant in disease. Therefore, it has been classified as a Variant of Uncertain Significance. Algorithms developed to predict the effect of missense changes on protein structure and function output the following: SIFT: "Tolerated"; PolyPhen-2: "Benign"; Align-GVGD: "Class C0". The arginine amino acid residue is found in multiple mammalian species, suggesting that this missense change does not adversely affect protein function. These predictions have not been confirmed by published functional studies and their clinical significance is uncertain. This variant has not been reported in the literature in individuals with BARD1-related conditions. ClinVar contains an entry for this variant (Variation ID: 237824). This variant is not present in population databases (ExAC no frequency). This sequence change replaces glycine with arginine at codon 568 of the BARD1 protein (p.Gly568Arg). The glycine residue is highly conserved and there is a moderate physicochemical difference between glycine and arginine.